The following is an entry in ClinVar:

ClinVar aggregate classification (germline): Benign. Review status: criteria provided, single submitter (1 of 4 stars). 2 submissions from 2 submitters: Benign (1). 1 of the submissions does not count toward it. Last evaluated 2025-11-19.

Conditions:
FN1-related disorder. Also called: FN1-related condition.

Allele frequency attached by ClinVar (database versions not stated): gnomAD exomes 0.00003 and 0.00018; gnomAD 0.00006 and 0.00008; TOPMed 0.00011; ExAC 0.00017; 1000 Genomes Project 30x 0.00047; 1000 Genomes Project 0.00060.
gnomAD v4.1: 58 of 1,614,060 alleles (0.0036%); highest among the groups gnomAD compares: East Asian, 0.12%; no homozygotes.

Submissions (2):

Labcorp Genetics (formerly Invitae), Labcorp
Classification: Benign. Last evaluated: 2025-11-19. Review status: criteria provided, single submitter. Criteria: Invitae Variant Classification Sherloc (09022015). Collection method: clinical testing. Allele origin: germline.

PreventionGenetics, part of Exact Sciences
Classification: Likely benign for FN1-related condition. Last evaluated: 2019-05-01. Review status: no assertion criteria provided. Collection method: clinical testing. Allele origin: germline. Not counted in ClinVar's aggregate classification.
Comment: This variant is classified as likely benign based on ACMG/AMP sequence variant interpretation guidelines (Richards et al. 2015 PMID: 25741868, with internal and published modifications).

NM_212482.4(FN1):c.1782T>C (p.Ile594=)

Gene: FN1 (fibronectin 1; minus strand). Cytogenetic location: 2q35.
Variant type: single nucleotide variant.
Coding change: c.1782T>C on transcript NM_212482.4 (MANE Select); coding-DNA position 1782, T replaced by C.
Protein change: p.Ile594=; no amino-acid change (isoleucine 594 retained).
Molecular consequence: synonymous variant.
Genome position (GRCh38, 1-based): chr2:215,419,279, A>G on the plus strand (T>C on the coding strand, the complement: FN1 is on the minus strand). VCF-style: chr2-215419279-A-G. GRCh37 (hg19) VCF-style: chr2-216284002-A-G.
Other names: c.1782T>C, p.Ile594= (NM_001306129.2, NM_001306130.2, NM_001306131.2 and 14 more transcripts); c.1782T>C (NM_212482.2).
Identifiers: ClinVar variation 1643496 (VCV001643496.10), dbSNP rs201143720, ClinGen allele CA2095171.
Genomic context (GRCh38, chr2:215,419,279, plus strand): 5'-CTTGCAGTAATAGAGCTACTTACTTGGATAGGTCTGTAAAGGTTGGCAATGCCACTCCCC[A>G]ATGCCACGGCCATAGCAGTAGCACTGGTATCTGACACCATGCACATACTTCTCCCATGAA-3'
Protein context (NP_997647.2, residues 584-604): RYQCYCYGRG[Ile594=]GEWHCQPLQT